The following is an entry in ClinVar:

NM_000051.4(ATM):c.6247G>T (p.Gly2083Ter)

Genes: ATM (ATM serine/threonine kinase; plus strand), C11orf65 (chromosome 11 open reading frame 65; minus strand). Cytogenetic location: 11q22.3.
Variant type: single nucleotide variant.
Coding change: c.6247G>T on transcript NM_000051.4 (MANE Select); coding-DNA position 6247, G replaced by T.
Protein change: p.Gly2083Ter; replaces glycine 2083 with a stop codon.
Molecular consequence: nonsense. On other transcripts: intron variant (2).
Genome position (GRCh38, 1-based): chr11:108,317,421, G>T. VCF-style: chr11-108317421-G-T. GRCh37 (hg19) VCF-style: chr11-108188148-G-T.
Other names: c.6247G>T, p.Gly2083Ter (NM_001351834.2); c.641-8350C>A (NM_001330368.2); c.*39-8350C>A (NM_001351110.2); short protein forms G2083*.
Identifiers: ClinVar variation 944172 (VCV000944172.8), dbSNP rs1060501586, ClinGen allele CA382551812.
Genomic context (GRCh38, chr11:108,317,421, plus strand): 5'-ACTCCTGTTTAGGCCTTGCAGAATTTGGGACTCTGCCATATTCTTTCCGTCTATTTAAAA[G>T]GATTGGATTATGAAAATAAAGACTGGTGTCCTGAACTAGAAGAACTTCATTACCAAGCAG-3'

ClinVar aggregate classification (germline): Pathogenic (1 of 4 stars; one submission).

Conditions:
Ataxia-telangiectasia syndrome (AT). Also called: Ataxia-telangiectasia, complementation group D; AT, COMPLEMENTATION GROUP C; ATAXIA-TELANGIECTASIA, COMPLEMENTATION GROUP A; ATAXIA-TELANGIECTASIA, FRESNO VARIANT; Ataxia-telangiectasia; Ataxia telangiectasia (A-T). Identifiers: Orphanet 100, MedGen C0004135, MONDO:0008840, OMIM 208900.

gnomAD v4.1: 1 of 1,612,234 alleles (0.000062%); no homozygotes.

Submission:

Labcorp Genetics (formerly Invitae), Labcorp
Classification: Pathogenic for Ataxia-telangiectasia syndrome. Last evaluated: 2024-04-11. Review status: criteria provided, single submitter. Criteria: Invitae Variant Classification Sherloc (09022015). Collection method: clinical testing. Allele origin: germline.
Comment: This sequence change creates a premature translational stop signal (p.Gly2083*) in the ATM gene. It is expected to result in an absent or disrupted protein product. Loss-of-function variants in ATM are known to be pathogenic (PMID: 23807571, 25614872). This variant is not present in population databases (gnomAD no frequency). This variant has not been reported in the literature in individuals affected with ATM-related conditions. ClinVar contains an entry for this variant (Variation ID: 944172). For these reasons, this variant has been classified as Pathogenic.

Literature cited by the submitters: PubMed 23807571; PubMed 25614872.